The following is an entry in ClinVar:

ClinVar aggregate classification (germline): Conflicting classifications of pathogenicity. Review status: criteria provided, conflicting classifications (1 of 4 stars). 3 submissions from 3 submitters: Likely pathogenic (1); Uncertain significance (2). Last evaluated 2025-12-09.

Conditions:
Wilms tumor 1 (WT1). Also called: Wilms tumor, somatic. Identifiers: Orphanet 654, MedGen CN033288, MONDO:0008679, OMIM 194070.
11p partial monosomy syndrome (WAGR). Also called: CHROMOSOME 11p13 DELETION SYNDROME; WAGR syndrome; WAGR Spectrum Disorder; WAGR Complex. Identifiers: Orphanet 893, MedGen C0206115, MONDO:0008681, OMIM 194072.
Drash syndrome (DDS). Also called: WILMS TUMOR AND PSEUDO- OR TRUE HERMAPHRODITISM; NEPHROPATHY, WILMS TUMOR, AND GENITAL ANOMALIES. Identifiers: Orphanet 220, MedGen C0950121, MONDO:0008682, OMIM 194080.
Frasier syndrome. Identifiers: Orphanet 347, MedGen C0950122, MeSH D052159, MONDO:0007635, OMIM 136680.
Inborn genetic diseases. Identifiers: MedGen C0950123, MeSH D030342.
Nephrotic syndrome, type 4 (NPHS4). Also called: Familial mesangial sclerosis; Nephrotic syndrome, early onset with diffuse mesangial sclerosis. Identifiers: Orphanet 656, MedGen C3151568, MONDO:0009733, OMIM 256370.

gnomAD v4.1: 1 of 1,539,630 alleles (0.000065%); highest among the groups gnomAD compares: African/African-American, 0.0014%; no homozygotes.

Submissions (3):

Labcorp Genetics (formerly Invitae), Labcorp
Classification: Uncertain significance for Wilms tumor 1; Drash syndrome; 11p partial monosomy syndrome; Frasier syndrome. Last evaluated: 2025-12-09. Review status: criteria provided, single submitter. Criteria: Invitae Variant Classification Sherloc (09022015). Collection method: clinical testing. Allele origin: germline.
Comment: This sequence change replaces proline, which is neutral and non-polar, with leucine, which is neutral and non-polar, at codon 126 of the WT1 protein (p.Pro126Leu). This variant is not present in population databases (gnomAD no frequency). This missense change has been observed in individual(s) with end-stage renal disease (PMID: 39363361). This variant is also known as Pro131Leu. ClinVar contains an entry for this variant (Variation ID: 2182681). Invitae Evidence Modeling of protein sequence and biophysical properties (such as structural, functional, and spatial information, amino acid conservation, physicochemical variation, residue mobility, and thermodynamic stability) has been performed for this missense variant. However, the output from this modeling did not meet the statistical confidence thresholds required to predict the impact of this variant on WT1 protein function. In summary, the available evidence is currently insufficient to determine the role of this variant in disease. Therefore, it has been classified as a Variant of Uncertain Significance.

Ambry Genetics
Classification: Uncertain significance for Inborn genetic diseases. Last evaluated: 2025-07-24. Review status: criteria provided, single submitter. Criteria: Ambry Variant Classification Scheme 2023. Collection method: clinical testing. Allele origin: germline.
Comment: The p.P126L variant (also known as c.377C>T), located in coding exon 1 of the WT1 gene, results from a C to T substitution at nucleotide position 377. The proline at codon 126 is replaced by leucine, an amino acid with similar properties. This amino acid position is conserved. In addition, this alteration is predicted to be tolerated by in silico analysis. Based on the available evidence, the clinical significance of this variant remains unclear.

Precision Medicine Center, Zhengzhou University
Classification: Likely pathogenic for Nephrotic syndrome, type 4. Last evaluated: 2023-12-01. Review status: criteria provided, single submitter. Criteria: ACMG Guidelines, 2015. Collection method: clinical testing. Allele origin: de novo. Affected: yes.
Comment: PS2,PM2_p,PP3

Literature cited by the submitters: PubMed 39363361 (cited by Labcorp Genetics (formerly Invitae), Labcorp).

NM_024426.6(WT1):c.392C>T (p.Pro131Leu)

Genes: WT1 (WT1 transcription factor; minus strand), LOC107982234 (WT1/WT1-AS bi-directional promoter region; plus strand). Cytogenetic location: 11p13.
Variant type: single nucleotide variant.
Coding change: c.392C>T on transcript NM_024426.6 (MANE Select); coding-DNA position 392, C replaced by T.
Protein change: p.Pro131Leu; replaces proline 131 with leucine.
Molecular consequence: missense variant. On other transcripts: non-coding transcript variant (1).
Genome position (GRCh38, 1-based): chr11:32,434,969, G>A on the plus strand (C>T on the coding strand, the complement: WT1 is on the minus strand). VCF-style: chr11-32434969-G-A. GRCh37 (hg19) VCF-style: chr11-32456515-G-A.
Other names: c.392C>T, p.Pro131Leu (NM_000378.6, NM_001407044.1, NM_001407045.1 and 6 more transcripts); c.377C>T, p.Pro126Leu (NM_024425.2); c.377C>T (NM_024426.4); short protein forms P126L, P131L.
Identifiers: ClinVar variation 2182681 (VCV002182681.7), dbSNP rs1443423967, ClinGen allele CA379965790.